The following is an entry in ClinVar:

ClinVar aggregate classification (germline): Uncertain significance (1 of 4 stars; one submission).

Submission:

Labcorp Genetics (formerly Invitae), Labcorp
Classification: Uncertain significance. Last evaluated: 2022-02-05. Review status: criteria provided, single submitter. Criteria: Invitae Variant Classification Sherloc (09022015). Collection method: clinical testing. Allele origin: germline.
Comment: Algorithms developed to predict the effect of missense changes on protein structure and function are either unavailable or do not agree on the potential impact of this missense change (SIFT: "Deleterious"; PolyPhen-2: "Possibly Damaging"; Align-GVGD: "Class C15"). ClinVar contains an entry for this variant (Variation ID: 1043507). This variant has not been reported in the literature in individuals affected with CACNA2D4-related conditions. This variant is not present in population databases (gnomAD no frequency). This sequence change replaces leucine, which is neutral and non-polar, with phenylalanine, which is neutral and non-polar, at codon 431 of the CACNA2D4 protein (p.Leu431Phe). In summary, the available evidence is currently insufficient to determine the role of this variant in disease. Therefore, it has been classified as a Variant of Uncertain Significance.

NM_172364.5(CACNA2D4):c.1291C>T (p.Leu431Phe)

Gene: CACNA2D4 (calcium voltage-gated channel auxiliary subunit alpha2delta 4; minus strand). Cytogenetic location: 12p13.33.
Variant type: single nucleotide variant.
Coding change: c.1291C>T on transcript NM_172364.5 (MANE Select); coding-DNA position 1291, C replaced by T.
Protein change: p.Leu431Phe; replaces leucine 431 with phenylalanine.
Molecular consequence: missense variant.
Genome position (GRCh38, 1-based): chr12:1,884,303, G>A on the plus strand (C>T on the coding strand, the complement: CACNA2D4 is on the minus strand). VCF-style: chr12-1884303-G-A. GRCh37 (hg19) VCF-style: chr12-1993469-G-A.
Other names: short protein forms L431F.
Identifiers: ClinVar variation 1043507 (VCV001043507.8), dbSNP rs370708521, ClinGen allele CA383356926.